The following is an entry in ClinVar:

ClinVar aggregate classification (germline): Uncertain significance (1 of 4 stars; one submission).

Submission:

Labcorp Genetics (formerly Invitae), Labcorp
Classification: Uncertain significance. Last evaluated: 2024-10-13. Review status: criteria provided, single submitter. Criteria: Invitae Variant Classification Sherloc (09022015). Collection method: clinical testing. Allele origin: germline.
Comment: This sequence change replaces proline, which is neutral and non-polar, with leucine, which is neutral and non-polar, at codon 561 of the ATP1A1 protein (p.Pro561Leu). This variant is not present in population databases (gnomAD no frequency). This variant has not been reported in the literature in individuals affected with ATP1A1-related conditions. Invitae Evidence Modeling of protein sequence and biophysical properties (such as structural, functional, and spatial information, amino acid conservation, physicochemical variation, residue mobility, and thermodynamic stability) has been performed for this missense variant. However, the output from this modeling did not meet the statistical confidence thresholds required to predict the impact of this variant on ATP1A1 protein function. In summary, the available evidence is currently insufficient to determine the role of this variant in disease. Therefore, it has been classified as a Variant of Uncertain Significance.

NM_000701.8(ATP1A1):c.1682C>T (p.Pro561Leu)

Genes: ATP1A1 (ATPase Na+/K+ transporting subunit alpha 1; plus strand), ATP1A1-AS1 (ATP1A1 antisense RNA 1; minus strand). Cytogenetic location: 1p13.1.
Variant type: single nucleotide variant.
Coding change: c.1682C>T on transcript NM_000701.8 (MANE Select); coding-DNA position 1682, C replaced by T.
Protein change: p.Pro561Leu; replaces proline 561 with leucine.
Molecular consequence: missense variant.
Genome position (GRCh38, 1-based): chr1:116,395,131, C>T. VCF-style: chr1-116395131-C-T. GRCh37 (hg19) VCF-style: chr1-116937753-C-T.
Other names: c.1682C>T, p.Pro561Leu (NM_001160233.2); c.1589C>T, p.Pro530Leu (NM_001160234.2); short protein forms P530L, P561L.
Identifiers: ClinVar variation 3720087 (VCV003720087.2).
Genomic context (GRCh38, chr1:116,395,131, plus strand): 5'-CGTCACTGAAATTTTCAAAGGCTCCTGTCCTCCTCGCAGGTTTCTGCCACCTCTTTCTGC[C>T]AGATGAACAGTTTCCTGAAGGGTTCCAGTTTGACACTGACGATGTGAATTTCCCTATCGA-3'
Protein context (NP_000692.2, residues 551-571): RVLGFCHLFL[Pro561Leu]DEQFPEGFQF